The following is an entry in ClinVar:

NM_004984.4(KIF5A):c.1459G>A (p.Val487Met)

Gene: KIF5A (kinesin family member 5A; plus strand). Cytogenetic location: 12q13.3.
Variant type: single nucleotide variant.
Coding change: c.1459G>A on transcript NM_004984.4 (MANE Select); coding-DNA position 1459, G replaced by A.
Protein change: p.Val487Met; replaces valine 487 with methionine.
Molecular consequence: missense variant.
Genome position (GRCh38, 1-based): chr12:57,572,157, G>A. VCF-style: chr12-57572157-G-A. GRCh37 (hg19) VCF-style: chr12-57965940-G-A.
Other names: c.1192G>A, p.Val398Met (NM_001354705.2); short protein forms V398M, V487M.
Identifiers: ClinVar variation 4708433 (VCV004708433.1).

ClinVar aggregate classification (germline): Uncertain significance (1 of 4 stars; one submission).

Conditions:
Spastic paraplegia. Identifiers: MedGen C0037772, HP:0001258.

gnomAD v4.1: 2 of 1,614,156 alleles (0.00012%); highest among the groups gnomAD compares: South Asian, 0.0011%; no homozygotes.

Submission:

Labcorp Genetics (formerly Invitae), Labcorp
Classification: Uncertain significance for Spastic paraplegia. Last evaluated: 2025-02-19. Review status: criteria provided, single submitter. Criteria: Invitae Variant Classification Sherloc (09022015). Collection method: clinical testing. Allele origin: germline.
Comment: This sequence change replaces valine, which is neutral and non-polar, with methionine, which is neutral and non-polar, at codon 487 of the KIF5A protein (p.Val487Met). This variant is not present in population databases (gnomAD no frequency). This variant has not been reported in the literature in individuals affected with KIF5A-related conditions. Invitae Evidence Modeling of protein sequence and biophysical properties (such as structural, functional, and spatial information, amino acid conservation, physicochemical variation, residue mobility, and thermodynamic stability) has been performed for this missense variant. However, the output from this modeling did not meet the statistical confidence thresholds required to predict the impact of this variant on KIF5A protein function. In summary, the available evidence is currently insufficient to determine the role of this variant in disease. Therefore, it has been classified as a Variant of Uncertain Significance.